The following is an entry in ClinVar:

NM_001330691.3(CEP78):c.1022C>T (p.Thr341Ile)

Gene: CEP78 (centrosomal protein 78; plus strand). Cytogenetic location: 9q21.2.
Variant type: single nucleotide variant.
Coding change: c.1022C>T on transcript NM_001330691.3 (MANE Select); coding-DNA position 1022, C replaced by T.
Protein change: p.Thr341Ile; replaces threonine 341 with isoleucine.
Molecular consequence: missense variant.
Genome position (GRCh38, 1-based): chr9:78,248,826, C>T. VCF-style: chr9-78248826-C-T. GRCh37 (hg19) VCF-style: chr9-80863742-C-T.
Other names: c.1022C>T, p.Thr341Ile (NM_001098802.3, NM_001330693.3, NM_001330694.2 and 4 more transcripts); short protein forms T341I.
Identifiers: ClinVar variation 1410095 (VCV001410095.6), dbSNP rs761677623, ClinGen allele CA194402483.

ClinVar aggregate classification (germline): Uncertain significance (1 of 4 stars; one submission).

Submission:

Labcorp Genetics (formerly Invitae), Labcorp
Classification: Uncertain significance. Last evaluated: 2021-08-13. Review status: criteria provided, single submitter. Criteria: Invitae Variant Classification Sherloc (09022015). Collection method: clinical testing. Allele origin: germline.
Comment: This sequence change replaces threonine with isoleucine at codon 341 of the CEP78 protein (p.Thr341Ile). The threonine residue is moderately conserved and there is a moderate physicochemical difference between threonine and isoleucine. In summary, the available evidence is currently insufficient to determine the role of this variant in disease. Therefore, it has been classified as a Variant of Uncertain Significance. Algorithms developed to predict the effect of missense changes on protein structure and function are either unavailable or do not agree on the potential impact of this missense change (SIFT: "Tolerated"; PolyPhen-2: "Probably Damaging"; Align-GVGD: "Class C0"). This variant has not been reported in the literature in individuals affected with CEP78-related conditions. This variant is not present in population databases (ExAC no frequency).